The following is an entry in ClinVar:

ClinVar aggregate classification (germline): Uncertain significance (1 of 4 stars; one submission).

gnomAD v4.1: 2 of 1,614,030 alleles (0.00012%); highest among the groups gnomAD compares: Non-Finnish European, 0.00017%; no homozygotes.

Submission:

Labcorp Genetics (formerly Invitae), Labcorp
Classification: Uncertain significance. Last evaluated: 2025-07-14. Review status: criteria provided, single submitter. Criteria: Invitae Variant Classification Sherloc (09022015). Collection method: clinical testing. Allele origin: germline.
Comment: This sequence change affects codon 248 of the TSEN34 mRNA. It is a 'silent' change, meaning that it does not change the encoded amino acid sequence of the TSEN34 protein. It affects a nucleotide within the consensus splice site. This variant is not present in population databases (gnomAD no frequency). This variant has not been reported in the literature in individuals affected with TSEN34-related conditions. Algorithms developed to predict the effect of sequence changes on RNA splicing suggest that this variant is not likely to affect RNA splicing. In summary, the available evidence is currently insufficient to determine the role of this variant in disease. Therefore, it has been classified as a Variant of Uncertain Significance.

NM_001077446.4(TSEN34):c.744T>C (p.Pro248=)

Gene: TSEN34 (tRNA splicing endonuclease subunit 34; plus strand). Cytogenetic location: 19q13.42.
Variant type: single nucleotide variant.
Coding change: c.744T>C on transcript NM_001077446.4 (MANE Select); coding-DNA position 744, T replaced by C.
Protein change: p.Pro248=; no amino-acid change (proline 248 retained).
Molecular consequence: synonymous variant.
Genome position (GRCh38, 1-based): chr19:54,192,372, T>C. VCF-style: chr19-54192372-T-C. GRCh37 (hg19) VCF-style: chr19-54696223-T-C.
Other names: c.744T>C, p.Pro248= (NM_001282332.2, NM_001282333.2, NM_001386740.1 and 1 more transcripts).
Identifiers: ClinVar variation 4723221 (VCV004723221.1).